The following is an entry in ClinVar:

NM_001034853.2(RPGR):c.2249_2253del (p.Glu750fs)

Gene: RPGR (retinitis pigmentosa GTPase regulator; minus strand). Cytogenetic location: Xp11.4.
Variant type: Microsatellite.
Coding change: c.2249_2253del on transcript NM_001034853.2 (MANE Select); coding-DNA positions 2249 to 2253, 5 bases deleted (AGAAG; older notation c.2249_2253delAGAAG).
Protein change: p.Glu750fs; shifts the reading frame from glutamic acid 750.
Molecular consequence: frameshift variant. On other transcripts: intron variant (8).
Genome position (GRCh38, 1-based): chrX:38,286,746-38,286,750, CTTCT deleted on the plus strand (AGAAG on the coding strand, the reverse complement: RPGR is on the minus strand); deleting any 5 consecutive bases within chrX:38,286,746-38,286,755 gives the same sequence; the c. name uses the placement nearest the transcript's 3' end. VCF-style (leftmost placement, unchanged base first): chrX-38286745-CCTTCT-C. GRCh37 (hg19) VCF-style: chrX-38145998-CCTTCT-C.
Other names: c.1569+4209_1569+4213del (NM_001367249.1, NM_001367250.1); c.1902+344_1902+348del (NM_001367245.1); c.1386+4209_1386+4213del (NM_001367251.1); c.1719+344_1719+348del (NM_001367246.1); c.1572+4209_1572+4213del (NM_001367247.1); c.1905+344_1905+348del (NM_000328.3); c.1602+4209_1602+4213del (NM_001367248.1); short protein forms E750fs.
Identifiers: ClinVar variation 865941 (VCV000865941.4), dbSNP rs2067188031, ClinGen allele CA916083909.

ClinVar aggregate classification (germline): Pathogenic. Review status: criteria provided, multiple submitters, no conflicts (2 of 4 stars). 3 submissions from 2 submitters: Pathogenic (2). 1 of the submissions does not count toward it. Last evaluated 2025-03-17.

Conditions:
Primary ciliary dyskinesia. Also called: Ciliary dyskinesia. Identifiers: Orphanet 244, MedGen C0008780, MONDO:0016575, HP:0012265.
Retinitis pigmentosa 3. Also called: CHOROIDORETINAL DEGENERATION WITH RETINAL REFLEX IN HETEROZYGOUS WOMEN. Identifiers: Orphanet 791, MedGen C1845667, MONDO:0010227, OMIM 300029.
Retinal dystrophy. Also called: Inherited retinal dystrophy. Identifiers: Orphanet 71862, MedGen C0854723, MeSH D058499, MONDO:0019118, HP:0000556.

Submissions (3):

Labcorp Genetics (formerly Invitae), Labcorp
Classification: Pathogenic for Primary ciliary dyskinesia. Last evaluated: 2025-03-17. Review status: criteria provided, single submitter. Criteria: Invitae Variant Classification Sherloc (09022015). Collection method: clinical testing. Allele origin: germline.
Comment: This sequence change creates a premature translational stop signal (p.Glu750Glyfs*18) in the RPGR (ORF15) gene. While this is not anticipated to result in nonsense mediated decay, it is expected to disrupt the last 403 amino acid(s) of the RPGR (ORF15) protein. This variant is not present in population databases (gnomAD no frequency). This premature translational stop signal has been observed in individual(s) with inherited retinal dystrophy (PMID: 34985506). ClinVar contains an entry for this variant (Variation ID: 865941). This variant disrupts a region of the RPGR (ORF15) protein in which other variant(s) (p.Leu1130Lysfs*13) have been determined to be pathogenic (PMID: 22264887; internal data). This suggests that this is a clinically significant region of the protein, and that variants that disrupt it are likely to be disease-causing. For these reasons, this variant has been classified as Pathogenic.

Blueprint Genetics
Classification: Pathogenic for Retinal dystrophy. Last evaluated: 2019-05-23. Review status: criteria provided, single submitter. Criteria: Blueprint Genetics Variant Classification Scheme. Collection method: clinical testing. Allele origin: germline. Affected: yes.

Blueprint Genetics
Classification: Pathogenic for Retinitis pigmentosa 3. Review status: no assertion criteria provided. Collection method: clinical testing. Allele origin: germline. Affected: yes. Not counted in ClinVar's aggregate classification.

Literature cited by the submitters: PubMed 34985506 (cited by Labcorp Genetics (formerly Invitae), Labcorp); PubMed 22264887 (cited by Labcorp Genetics (formerly Invitae), Labcorp).